The following is an entry in ClinVar:

NM_022489.4(INF2):c.1316C>T (p.Pro439Leu)

Gene: INF2 (inverted formin 2; plus strand). Cytogenetic location: 14q32.33.
Variant type: single nucleotide variant.
Coding change: c.1316C>T on transcript NM_022489.4 (MANE Select); coding-DNA position 1316, C replaced by T.
Protein change: p.Pro439Leu; replaces proline 439 with leucine.
Molecular consequence: missense variant.
Genome position (GRCh38, 1-based): chr14:104,707,583, C>T. VCF-style: chr14-104707583-C-T. GRCh37 (hg19) VCF-style: chr14-105173920-C-T.
Other names: c.1316C>T, p.Pro439Leu (NM_001031714.4); short protein forms P439L.
Identifiers: ClinVar variation 1303866 (VCV001303866.6), dbSNP rs1375222598, ClinGen allele CA391216565.

ClinVar aggregate classification (germline): Conflicting classifications of pathogenicity. Review status: criteria provided, conflicting classifications (1 of 4 stars). 3 submissions from 3 submitters: Uncertain significance (2); Likely benign (1). Last evaluated 2024-09-24.

Conditions:
Inborn genetic diseases. Identifiers: MedGen C0950123, MeSH D030342.
Focal segmental glomerulosclerosis 5 (FSGS5). Identifiers: Orphanet 656, MedGen C2750475, MONDO:0013191, OMIM 613237.
Charcot-Marie-Tooth disease dominant intermediate E. Also called: CHARCOT-MARIE-TOOTH NEUROPATHY WITH FOCAL SEGMENTAL GLOMERULONEPHRITIS. Identifiers: Orphanet 93114, MedGen C4302667, MONDO:0013758, OMIM 614455.

Allele frequency attached by ClinVar (database versions not stated): gnomAD exomes 0.00002.

Submissions (3):

Labcorp Genetics (formerly Invitae), Labcorp
Classification: Uncertain significance for Charcot-Marie-Tooth disease dominant intermediate E; Focal segmental glomerulosclerosis 5. Last evaluated: 2024-09-24. Review status: criteria provided, single submitter. Criteria: Invitae Variant Classification Sherloc (09022015). Collection method: clinical testing. Allele origin: germline.
Comment: This sequence change replaces proline, which is neutral and non-polar, with leucine, which is neutral and non-polar, at codon 439 of the INF2 protein (p.Pro439Leu). The frequency data for this variant in the population databases is considered unreliable, as metrics indicate poor data quality at this position in the gnomAD database. This variant has not been reported in the literature in individuals affected with INF2-related conditions. ClinVar contains an entry for this variant (Variation ID: 1303866). Invitae Evidence Modeling of protein sequence and biophysical properties (such as structural, functional, and spatial information, amino acid conservation, physicochemical variation, residue mobility, and thermodynamic stability) indicates that this missense variant is not expected to disrupt INF2 protein function with a negative predictive value of 95%. In summary, the available evidence is currently insufficient to determine the role of this variant in disease. Therefore, it has been classified as a Variant of Uncertain Significance.

Ambry Genetics
Classification: Likely benign for Inborn genetic diseases. Last evaluated: 2024-01-12. Review status: criteria provided, single submitter. Criteria: Ambry Variant Classification Scheme 2023. Collection method: clinical testing. Allele origin: germline.

GeneDx
Classification: Uncertain significance. Last evaluated: 2020-07-29. Review status: criteria provided, single submitter. Criteria: GeneDx Variant Classification Process June 2021. Collection method: clinical testing. Allele origin: germline. Affected: yes.
Comment: In silico analysis supports that this missense variant does not alter protein structure/function; Has not been previously published as pathogenic or benign to our knowledge